The following is an entry in ClinVar:

NM_006383.4(CIB2):c.223G>A (p.Val75Met)

Gene: CIB2 (calcium and integrin binding family member 2; minus strand). Cytogenetic location: 15q25.1.
Variant type: single nucleotide variant.
Coding change: c.223G>A on transcript NM_006383.4 (MANE Select); coding-DNA position 223, G replaced by A.
Protein change: p.Val75Met; replaces valine 75 with methionine.
Molecular consequence: missense variant. On other transcripts: non-coding transcript variant (1).
Genome position (GRCh38, 1-based): chr15:78,109,358, C>T on the plus strand (G>A on the coding strand, the complement: CIB2 is on the minus strand). VCF-style: chr15-78109358-C-T. GRCh37 (hg19) VCF-style: chr15-78401700-C-T.
Other names: c.94G>A, p.Val32Met (NM_001271888.2); c.76G>A, p.Val26Met (NM_001271889.2); c.238G>A, p.Val80Met (NM_001301224.2); short protein forms V75M, V26M, V32M, V80M.
Identifiers: ClinVar variation 617936 (VCV000617936.9), dbSNP rs758743502, ClinGen allele CA7680265.
Genomic context (GRCh38, chr15:78,109,358, plus strand): 5'-ACATGTCCACAAAGTCGTTGAAAGTGAGGTTCCCCTCACCATCCTCGGAAAACGCCGCCA[C>T]GATCCTTTCTTTGAAGGGATTCTCCTGAAGAAAACACACACAGCAATCACTGTGGGTGCA-3'
Protein context (NP_006374.1, residues 65-85): LRENPFKERI[Val75Met]AAFSEDGEGN

ClinVar aggregate classification (germline): Uncertain significance. Review status: criteria provided, multiple submitters, no conflicts (2 of 4 stars). 3 submissions from 3 submitters: Uncertain significance (3). Last evaluated 2022-10-05.

Conditions:
Autosomal recessive nonsyndromic hearing loss 48. Also called: Deafness, autosomal recessive 48; Usher Syndrome Type 1J. Identifiers: Orphanet 231169, Orphanet 886, Orphanet 90636, MedGen C1836199, MONDO:0012273, OMIM 609439.

Allele frequency attached by ClinVar (database versions not stated): gnomAD exomes below 0.00001 and 0.00001; TOPMed below 0.00001; ExAC 0.00001; gnomAD 0.00004.
gnomAD v4.1: 23 of 1,614,058 alleles (0.0014%); highest among the groups gnomAD compares: East Asian, 0.0045%; no homozygotes.

Submissions (3):

Labcorp Genetics (formerly Invitae), Labcorp
Classification: Uncertain significance. Last evaluated: 2022-10-05. Review status: criteria provided, single submitter. Criteria: Invitae Variant Classification Sherloc (09022015). Collection method: clinical testing. Allele origin: germline.
Comment: This sequence change replaces valine, which is neutral and non-polar, with methionine, which is neutral and non-polar, at codon 75 of the CIB2 protein (p.Val75Met). This variant is present in population databases (rs758743502, gnomAD 0.005%). This missense change has been observed in individual(s) with clinical features of non-syndromic deafness (PMID: 29112224; Invitae). In at least one individual the data is consistent with being in trans (on the opposite chromosome) from a pathogenic variant. ClinVar contains an entry for this variant (Variation ID: 617936). Algorithms developed to predict the effect of missense changes on protein structure and function are either unavailable or do not agree on the potential impact of this missense change (SIFT: "Deleterious"; PolyPhen-2: "Possibly Damaging"; Align-GVGD: "Class C0"). In summary, the available evidence is currently insufficient to determine the role of this variant in disease. Therefore, it has been classified as a Variant of Uncertain Significance.

Blueprint Genetics
Classification: Uncertain significance. Last evaluated: 2022-02-04. Review status: criteria provided, single submitter. Criteria: ACMG Guidelines, 2015. Collection method: clinical testing. Allele origin: germline.

SIB Swiss Institute of Bioinformatics
Classification: Uncertain significance for Autosomal recessive nonsyndromic hearing loss 48. Last evaluated: 2018-10-15. Review status: criteria provided, single submitter. Criteria: ACMG Guidelines, 2015. Collection method: curation. Allele origin: unknown.
Comment: This variant is interpreted as Uncertain Significance - Conflicting Evidence, for Deafness, autosomal recessive. The following ACMG Tag(s) were applied: PM2 => Absent from controls (or at extremely low frequency if recessive) in Exome Sequencing Project, 1000 Genomes Project, or Exome Aggregation Consortium. PP3 => Multiple lines of computational evidence support a deleterious effect on the gene or gene product. BP5 => Variant found in a case with an alternate molecular basis for disease (PubMed 26416264).

Literature cited by the submitters: PubMed 29112224 (cited by Labcorp Genetics (formerly Invitae), Labcorp); PubMed 26416264 (cited by SIB Swiss Institute of Bioinformatics).